The following is an entry in ClinVar:

ClinVar aggregate classification (germline): Conflicting classifications of pathogenicity. Review status: criteria provided, conflicting classifications (1 of 4 stars). 4 submissions from 4 submitters: Uncertain significance (3); Likely benign (1). Last evaluated 2026-06-04.

Conditions:
A2ML1-related disorder. Also called: A2ML1-related condition.

Allele frequency attached by ClinVar (database versions not stated): TOPMed 0.00009.
gnomAD v4.1: 214 of 1,613,926 alleles (0.013%); highest among the groups gnomAD compares: Non-Finnish European, 0.017%; no homozygotes.

Submissions (4):

PreventionGenetics, part of Exact Sciences
Classification: Uncertain significance for A2ML1-related condition. Last evaluated: 2026-06-04. Review status: criteria provided, single submitter. Criteria: ACMG Guidelines, 2015. Collection method: clinical testing. Allele origin: germline.
Comment: The A2ML1 c.137G>A variant is predicted to result in the amino acid substitution p.Gly46Glu. To our knowledge, this variant has not been reported in the literature. This variant is reported in 0.0093% of alleles in individuals of European (Non-Finnish) descent in gnomAD. At this time, the clinical significance of this variant is uncertain due to the absence of conclusive functional and genetic evidence.

Labcorp Genetics (formerly Invitae), Labcorp
Classification: Uncertain significance. Last evaluated: 2025-12-08. Review status: criteria provided, single submitter. Criteria: Invitae Variant Classification Sherloc (09022015). Collection method: clinical testing. Allele origin: germline.
Comment: This sequence change replaces glycine, which is neutral and non-polar, with glutamic acid, which is acidic and polar, at codon 46 of the A2ML1 protein (p.Gly46Glu). This variant is present in population databases (rs757200771, gnomAD 0.009%). This variant has not been reported in the literature in individuals affected with A2ML1-related conditions. ClinVar contains an entry for this variant (Variation ID: 846449). An algorithm developed to predict the effect of missense changes on protein structure and function (PolyPhen-2) suggests that this variant is likely to be tolerated. In summary, the available evidence is currently insufficient to determine the role of this variant in disease. Therefore, it has been classified as a Variant of Uncertain Significance.

Ambry Genetics
Classification: Uncertain significance. Last evaluated: 2024-10-06. Review status: criteria provided, single submitter. Criteria: Ambry Variant Classification Scheme 2023. Collection method: clinical testing. Allele origin: germline.

Women's Health and Genetics/Laboratory Corporation of America, LabCorp
Classification: Likely benign. Last evaluated: 2020-02-24. Review status: criteria provided, single submitter. Criteria: LabCorp Variant Classification Summary - May 2015. Collection method: clinical testing. Allele origin: germline.
Comment: Variant summary: A2ML1 c.137G>A (p.Gly46Glu) results in a non-conservative amino acid change in the encoded protein sequence. Four of five in-silico tools predict a benign effect of the variant on protein function. The variant allele was found at a frequency of 4e-05 in 249554 control chromosomes (gnomAD). The observed variant frequency is approximately 10-fold of the estimated maximal expected allele frequency for a pathogenic variant in A2ML1 causing Noonan Syndrome phenotype (4e-06), strongly suggesting that the variant is benign. To our knowledge, no occurrence of c.137G>A in individuals affected with Noonan Syndrome and no experimental evidence demonstrating its impact on protein function have been reported. No clinical diagnostic laboratories have submitted clinical-significance assessments for this variant to ClinVar after 2014. Based on the evidence outlined above, the variant was classified as likely benign.

NM_144670.6(A2ML1):c.137G>A (p.Gly46Glu)

Genes: A2ML1 (alpha-2-macroglobulin like 1; plus strand), A2ML1-AS1 (A2ML1 antisense RNA 1; minus strand). Cytogenetic location: 12p13.31.
Variant type: single nucleotide variant.
Coding change: c.137G>A on transcript NM_144670.6 (MANE Select); coding-DNA position 137, G replaced by A.
Protein change: p.Gly46Glu; replaces glycine 46 with glutamic acid.
Molecular consequence: missense variant.
Genome position (GRCh38, 1-based): chr12:8,823,256, G>A. VCF-style: chr12-8823256-G-A. GRCh37 (hg19) VCF-style: chr12-8975852-G-A.
Other names: c.137G>A (NM_144670.3); short protein forms G46E.
Identifiers: ClinVar variation 846449 (VCV000846449.13), dbSNP rs757200771, ClinGen allele CA6435175.
Genomic context (GRCh38, chr12:8,823,256, plus strand): 5'-CATTACCAGCCCGGCTAAATTTCCCCTCCGTTCAGAAGGTTTGTTTGGACCTGAGCCCTG[G>A]GTACAGTGATGTTAAATTCACGGTTACTCTGGAGACCAAGGACAAGACCCAGAAGTTGCT-3'
Protein context (NP_653271.3, residues 36-56): VQKVCLDLSP[Gly46Glu]YSDVKFTVTL